The following is an entry in ClinVar:

NM_016333.4(SRRM2):c.794CTG[1] (p.Ala266del)

Gene: SRRM2 (serine/arginine repetitive matrix 2; plus strand). Cytogenetic location: 16p13.3.
Variant type: Microsatellite.
Coding change: c.794CTG[1] on transcript NM_016333.4 (MANE Select); one copy of the 3-base unit CTG starting at c.794; the reference has two copies in a row; one copy, 3 bases deleted.
Protein change: p.Ala266del; deletes alanine 266.
Molecular consequence: inframe deletion.
Genome position (GRCh38, 1-based): chr16:2,759,625-2,759,627, CTG deleted; deleting any 3 consecutive bases within chr16:2,759,622-2,759,627 gives the same sequence; the position shown is the placement nearest the transcript's 3' end. VCF-style (leftmost placement, unchanged base first): chr16-2759621-TCTG-T. GRCh37 (hg19) VCF-style: chr16-2809622-TCTG-T.
Other names: short protein forms A266del.
Identifiers: ClinVar variation 782012 (VCV000782012.27), dbSNP rs144900093, ClinGen allele CA7847009.
Genomic context (GRCh38, chr16:2,759,621, plus strand): 5'-TCCTTCAGGTCTCGAAGTACAACACCAGCCCCCAAGAGCCGCCGGGCCCACCGTTCAACT[TCTG>T]CTGACTCTGCTTCCTCCTCCGATACTTCCCGCAGTCGGTAAGGGGTAGTCCAGGAGGAAG-3'

ClinVar aggregate classification (germline): Benign/Likely benign. Review status: criteria provided, multiple submitters, no conflicts (2 of 4 stars). 2 submissions from 2 submitters: Benign (1); Likely benign (1). Last evaluated 2025-04-01.

Submissions (2):

CeGaT Center for Human Genetics Tuebingen
Classification: Benign. Last evaluated: 2025-04-01. Review status: criteria provided, single submitter. Criteria: CeGaT Center For Human Genetics Tuebingen Variant Classification Criteria Version 2. Collection method: clinical testing. Allele origin: germline. Affected: yes. Observed: 2 variant alleles.
Comment: SRRM2: PM4:Supporting, BS1, BS2

Labcorp Genetics (formerly Invitae), Labcorp
Classification: Likely benign. Last evaluated: 2017-10-11. Review status: criteria provided, single submitter. Criteria: Invitae Variant Classification Sherloc (09022015). Collection method: clinical testing. Allele origin: germline.